The following is an entry in ClinVar:

ClinVar aggregate classification (germline): Uncertain significance (1 of 4 stars; one submission).

Allele frequency attached by ClinVar (database versions not stated): ExAC 0.00001; gnomAD 0.00001; 1000 Genomes Project 0.00020; 1000 Genomes Project 30x 0.00031.
gnomAD v4.1: 1 of 1,610,890 alleles (0.000062%); highest among the groups gnomAD compares: East Asian, 0.0022%; no homozygotes.

Submission:

Labcorp Genetics (formerly Invitae), Labcorp
Classification: Uncertain significance. Last evaluated: 2022-10-30. Review status: criteria provided, single submitter. Criteria: Invitae Variant Classification Sherloc (09022015). Collection method: clinical testing. Allele origin: germline.
Comment: In summary, the available evidence is currently insufficient to determine the role of this variant in disease. Therefore, it has been classified as a Variant of Uncertain Significance. Algorithms developed to predict the effect of missense changes on protein structure and function are either unavailable or do not agree on the potential impact of this missense change (SIFT: "Deleterious"; PolyPhen-2: "Possibly Damaging"; Align-GVGD: "Class C15"). This variant has not been reported in the literature in individuals affected with RAB11A-related conditions. This variant is present in population databases (rs190571382, gnomAD 0.006%). This sequence change replaces tyrosine, which is neutral and polar, with phenylalanine, which is neutral and non-polar, at codon 91 of the RAB11A protein (p.Tyr91Phe).

NM_004663.5(RAB11A):c.272A>T (p.Tyr91Phe)

Gene: RAB11A (RAB11A, member RAS oncogene family; plus strand). Cytogenetic location: 15q22.31.
Variant type: single nucleotide variant.
Coding change: c.272A>T on transcript NM_004663.5 (MANE Select); coding-DNA position 272, A replaced by T.
Protein change: p.Tyr91Phe; replaces tyrosine 91 with phenylalanine.
Molecular consequence: missense variant.
Genome position (GRCh38, 1-based): chr15:65,877,797, A>T. VCF-style: chr15-65877797-A-T. GRCh37 (hg19) VCF-style: chr15-66170135-A-T.
Other names: c.272A>T, p.Tyr91Phe (NM_001206836.2); short protein forms Y91F.
Identifiers: ClinVar variation 2796021 (VCV002796021.3), dbSNP rs190571382, ClinGen allele CA7621572.